The following is an entry in ClinVar:

NM_015450.3(POT1):c.1745G>C (p.Ser582Thr)

Gene: POT1 (protection of telomeres 1; minus strand). Cytogenetic location: 7q31.33.
Variant type: single nucleotide variant.
Coding change: c.1745G>C on transcript NM_015450.3 (MANE Select); coding-DNA position 1745, G replaced by C.
Protein change: p.Ser582Thr; replaces serine 582 with threonine.
Molecular consequence: missense variant. On other transcripts: non-coding transcript variant (3).
Genome position (GRCh38, 1-based): chr7:124,825,299, C>G on the plus strand (G>C on the coding strand, the complement: POT1 is on the minus strand). VCF-style: chr7-124825299-C-G. GRCh37 (hg19) VCF-style: chr7-124465353-C-G.
Other names: c.1352G>C, p.Ser451Thr (NM_001042594.2); short protein forms S451T, S582T.
Identifiers: ClinVar variation 2842023 (VCV002842023.3), dbSNP rs1794602958, ClinGen allele CA369062304.

ClinVar aggregate classification (germline): Uncertain significance (1 of 4 stars; one submission).

Conditions:
Tumor predisposition syndrome 3 (TPDS3). Also called: LONG TELOMERE SYNDROME, POT1-RELATED; POT1 Tumor Predisposition; Melanoma, cutaneous malignant, susceptibility to, 10; Glioma susceptibility 9. Identifiers: Orphanet 618, MedGen C4014476, MONDO:0014368, OMIM 615848.

Allele frequency attached by ClinVar (database versions not stated): TOPMed below 0.00001.
gnomAD v4.1: 1 of 1,610,976 alleles (0.000062%); highest among the groups gnomAD compares: Non-Finnish European, 0.000085%; no homozygotes.

Submission:

Labcorp Genetics (formerly Invitae), Labcorp
Classification: Uncertain significance for Tumor predisposition syndrome 3. Last evaluated: 2023-03-02. Review status: criteria provided, single submitter. Criteria: Invitae Variant Classification Sherloc (09022015). Collection method: clinical testing. Allele origin: germline.
Comment: This sequence change replaces serine, which is neutral and polar, with threonine, which is neutral and polar, at codon 582 of the POT1 protein (p.Ser582Thr). This variant is not present in population databases (gnomAD no frequency). This variant has not been reported in the literature in individuals affected with POT1-related conditions. Advanced modeling of protein sequence and biophysical properties (such as structural, functional, and spatial information, amino acid conservation, physicochemical variation, residue mobility, and thermodynamic stability) performed at Invitae indicates that this missense variant is not expected to disrupt POT1 protein function. In summary, the available evidence is currently insufficient to determine the role of this variant in disease. Therefore, it has been classified as a Variant of Uncertain Significance.